The following is an entry in ClinVar:

NM_005338.7(HIP1):c.104G>C (p.Ser35Thr)

Genes: HIP1 (huntingtin interacting protein 1; minus strand), LOC129998676 (ATAC-STARR-seq lymphoblastoid silent region 18299; plus strand). Cytogenetic location: 7q11.23.
Variant type: single nucleotide variant.
Coding change: c.104G>C on transcript NM_005338.7 (MANE Select); coding-DNA position 104, G replaced by C.
Protein change: p.Ser35Thr; replaces serine 35 with threonine.
Molecular consequence: missense variant.
Genome position (GRCh38, 1-based): chr7:75,738,817, C>G on the plus strand (G>C on the coding strand, the complement: HIP1 is on the minus strand). VCF-style: chr7-75738817-C-G. GRCh37 (hg19) VCF-style: chr7-75368135-C-G.
Other names: c.104G>C, p.Ser35Thr (NM_001243198.3); short protein forms S35T.
Identifiers: ClinVar variation 720809 (VCV000720809.7), dbSNP rs76208176, ClinGen allele CA4302768.
Genomic context (GRCh38, chr7:75,738,817, plus strand): 5'-CCCTCAGGGTGCCCCAGGGATGCCCCGGGGTCCCCCGTCCTCACCTGAGTCCGCTCGAAG[C>G]TCTCGCGCTCCGCCGCCTCCAGCCCAGCGCCGACCCCGCGCCGGCTCAGCACCTTGGGCA-3'
Protein context (NP_005329.3, residues 25-45): GAGLEAAERE[Ser35Thr]FERTQTVSIN

ClinVar aggregate classification (germline): Benign. Review status: criteria provided, multiple submitters, no conflicts (2 of 4 stars). 3 submissions from 3 submitters: Benign (2). 1 of the submissions does not count toward it. Last evaluated 2019-12-31.

Conditions:
HIP1-related disorder. Also called: HIP1-related condition.

Allele frequency attached by ClinVar (database versions not stated): gnomAD 0.00243 and 0.00311; TOPMed 0.00357; gnomAD exomes 0.00592; ExAC 0.00817; 1000 Genomes Project 30x 0.01202; 1000 Genomes Project 0.01218.
gnomAD v4.1: 3,698 of 1,600,910 alleles (0.23%); highest among the groups gnomAD compares: East Asian, 6.3%; 86 homozygotes.

Submissions (3):

Labcorp Genetics (formerly Invitae), Labcorp
Classification: Benign. Last evaluated: 2019-12-31. Review status: criteria provided, single submitter. Criteria: Invitae Variant Classification Sherloc (09022015). Collection method: clinical testing. Allele origin: germline.

Breakthrough Genomics
Classification: Benign. Review status: criteria provided, single submitter. Criteria: ACMG Guidelines, 2015. Collection method: not provided. Allele origin: germline. Inheritance: Unknown mechanism. Affected: yes.

PreventionGenetics, part of Exact Sciences
Classification: Benign for HIP1-related condition. Last evaluated: 2019-09-26. Review status: no assertion criteria provided. Collection method: clinical testing. Allele origin: germline. Not counted in ClinVar's aggregate classification.
Comment: This variant is classified as benign based on ACMG/AMP sequence variant interpretation guidelines (Richards et al. 2015 PMID: 25741868, with internal and published modifications).